The following is an entry in ClinVar:

NM_007215.4(POLG2):c.1191+1G>A

Genes: MILR1 (mast cell immunoglobulin like receptor 1; plus strand), POLG2 (DNA polymerase gamma 2, accessory subunit; minus strand). Cytogenetic location: 17q23.3.
Variant type: single nucleotide variant.
Coding change: c.1191+1G>A on transcript NM_007215.4 (MANE Select); the canonical splice donor site of the intron after coding-DNA position 1191, G replaced by A.
Molecular consequence: splice donor variant.
Genome position (GRCh38, 1-based): chr17:64,482,918, C>T on the plus strand (G>A on the coding strand, the complement: POLG2 is on the minus strand). VCF-style: chr17-64482918-C-T. GRCh37 (hg19) VCF-style: chr17-62479035-C-T.
Identifiers: ClinVar variation 1318963 (VCV001318963.2), dbSNP rs2144141869, ClinGen allele CA400636950.
Genomic context (GRCh38, chr17:64,482,918, plus strand): 5'-AAGCGTTTTTGGATAATACTCAATCTGTAATTAAAATGACATTTAAACTCATTTAACTCA[C>T]CTGTCTTAGTTCCAATGTGGGGCCTCTTCCTACATCCAAAGCAACCTTAATAGGGGCTAA-3'

ClinVar aggregate classification (germline): Uncertain significance (1 of 4 stars; one submission).

Submission:

GeneDx
Classification: Uncertain significance. Last evaluated: 2019-09-10. Review status: criteria provided, single submitter. Criteria: GeneDx Variant Classification Process June 2021. Collection method: clinical testing. Allele origin: germline. Affected: yes.
Comment: Not observed in large population cohorts (Lek et al., 2016); Canonical splice site variant in a gene for which loss-of-function is not a known mechanism of disease; Has not been previously published as pathogenic or benign to our knowledge